The following is an entry in ClinVar:

NM_001130987.2(DYSF):c.1067C>T (p.Ser356Leu)

Gene: DYSF (dysferlin; plus strand). Cytogenetic location: 2p13.2.
Variant type: single nucleotide variant.
Coding change: c.1067C>T on transcript NM_001130987.2 (MANE Select); coding-DNA position 1067, C replaced by T.
Protein change: p.Ser356Leu; replaces serine 356 with leucine.
Molecular consequence: missense variant.
Genome position (GRCh38, 1-based): chr2:71,520,822, C>T. VCF-style: chr2-71520822-C-T. GRCh37 (hg19) VCF-style: chr2-71747952-C-T.
Other names: c.974C>T, p.Ser325Leu (NM_001130455.2, NM_001130983.2, NM_001130984.2 and 1 more transcripts); c.971C>T, p.Ser324Leu (NM_001130976.2, NM_001130977.2, NM_001130978.2 and 1 more transcripts); c.1064C>T, p.Ser355Leu (NM_001130979.2, NM_001130980.2, NM_001130981.2); c.1067C>T, p.Ser356Leu (NM_001130982.2, NM_001130985.2); short protein forms S325L, S356L, S324L, S355L.
Identifiers: ClinVar variation 1505875 (VCV001505875.6), dbSNP rs1289536335, ClinGen allele CA347212003.

ClinVar aggregate classification (germline): Uncertain significance (1 of 4 stars; one submission).

Conditions:
Neuromuscular disease caused by qualitative or quantitative defects of dysferlin. Also called: Qualitative or quantitative defects of dysferlin; Dysferlinopathy. Identifiers: Orphanet 207073, MedGen C2931687, MONDO:0016145.

Allele frequency attached by ClinVar (database versions not stated): gnomAD exomes below 0.00001; gnomAD 0.00001; TOPMed 0.00001.
gnomAD v4.1: 2 of 1,613,962 alleles (0.00012%); highest among the groups gnomAD compares: Admixed American, 0.0017%; no homozygotes.

Submission:

Labcorp Genetics (formerly Invitae), Labcorp
Classification: Uncertain significance for Neuromuscular disease caused by qualitative or quantitative defects of dysferlin. Last evaluated: 2022-03-18. Review status: criteria provided, single submitter. Criteria: Invitae Variant Classification Sherloc (09022015). Collection method: clinical testing. Allele origin: germline.
Comment: This sequence change replaces serine, which is neutral and polar, with leucine, which is neutral and non-polar, at codon 324 of the DYSF protein (p.Ser324Leu). This variant is not present in population databases (gnomAD no frequency). This variant has not been reported in the literature in individuals affected with DYSF-related conditions. Advanced modeling of protein sequence and biophysical properties (such as structural, functional, and spatial information, amino acid conservation, physicochemical variation, residue mobility, and thermodynamic stability) performed at Invitae indicates that this missense variant is not expected to disrupt DYSF protein function. In summary, the available evidence is currently insufficient to determine the role of this variant in disease. Therefore, it has been classified as a Variant of Uncertain Significance.